The following is an entry in ClinVar:

ClinVar aggregate classification (germline): Uncertain significance (1 of 4 stars; one submission).

Conditions:
Developmental and epileptic encephalopathy, 54. Also called: Epileptic encephalopathy, early infantile, 54; HNRNPU-Related Neurodevelopmental Disorder. Identifiers: MedGen C4479319, MONDO:0033363, OMIM 617391.

Allele frequency attached by ClinVar (database versions not stated): gnomAD exomes below 0.00001; TOPMed below 0.00001.
gnomAD v4.1: 1 of 1,608,790 alleles (0.000062%); highest among the groups gnomAD compares: Non-Finnish European, 0.000085%; no homozygotes.

Submission:

Labcorp Genetics (formerly Invitae), Labcorp
Classification: Uncertain significance for Developmental and epileptic encephalopathy, 54. Last evaluated: 2022-11-12. Review status: criteria provided, single submitter. Criteria: Invitae Variant Classification Sherloc (09022015). Collection method: clinical testing. Allele origin: germline.
Comment: This sequence change replaces valine, which is neutral and non-polar, with isoleucine, which is neutral and non-polar, at codon 645 of the HNRNPU protein (p.Val645Ile). This variant is not present in population databases (gnomAD no frequency). This variant has not been reported in the literature in individuals affected with HNRNPU-related conditions. Advanced modeling of protein sequence and biophysical properties (such as structural, functional, and spatial information, amino acid conservation, physicochemical variation, residue mobility, and thermodynamic stability) performed at Invitae indicates that this missense variant is not expected to disrupt HNRNPU protein function. In summary, the available evidence is currently insufficient to determine the role of this variant in disease. Therefore, it has been classified as a Variant of Uncertain Significance.

NM_031844.3(HNRNPU):c.1933G>A (p.Val645Ile)

Gene: HNRNPU (heterogeneous nuclear ribonucleoprotein U; minus strand). Cytogenetic location: 1q44.
Variant type: single nucleotide variant.
Coding change: c.1933G>A on transcript NM_031844.3 (MANE Select); coding-DNA position 1933, G replaced by A.
Protein change: p.Val645Ile; replaces valine 645 with isoleucine.
Molecular consequence: missense variant.
Genome position (GRCh38, 1-based): chr1:244,856,138, C>T on the plus strand (G>A on the coding strand, the complement: HNRNPU is on the minus strand). VCF-style: chr1-244856138-C-T. GRCh37 (hg19) VCF-style: chr1-245019440-C-T.
Other names: c.1876G>A, p.Val626Ile (NM_004501.3); short protein forms V626I, V645I.
Identifiers: ClinVar variation 2804465 (VCV002804465.3), dbSNP rs1013755447, ClinGen allele CA40499465.